The following is an entry in ClinVar:

ClinVar aggregate classification (germline): Uncertain significance (1 of 4 stars; one submission).

Conditions:
Chédiak-Higashi syndrome (CHS). Also called: Chediak-Higashi Syndrome. Identifiers: Orphanet 167, MedGen C0007965, MONDO:0008963, OMIM 214500.

Submission:

Labcorp Genetics (formerly Invitae), Labcorp
Classification: Uncertain significance for Chédiak-Higashi syndrome. Last evaluated: 2024-05-22. Review status: criteria provided, single submitter. Criteria: Invitae Variant Classification Sherloc (09022015). Collection method: clinical testing. Allele origin: germline.
Comment: This sequence change replaces isoleucine, which is neutral and non-polar, with methionine, which is neutral and non-polar, at codon 2505 of the LYST protein (p.Ile2505Met). This variant is not present in population databases (gnomAD no frequency). This variant has not been reported in the literature in individuals affected with LYST-related conditions. ClinVar contains an entry for this variant (Variation ID: 1352469). Advanced modeling of protein sequence and biophysical properties (such as structural, functional, and spatial information, amino acid conservation, physicochemical variation, residue mobility, and thermodynamic stability) performed at Invitae indicates that this missense variant is not expected to disrupt LYST protein function with a negative predictive value of 80%. In summary, the available evidence is currently insufficient to determine the role of this variant in disease. Therefore, it has been classified as a Variant of Uncertain Significance.

NM_000081.4(LYST):c.7515A>G (p.Ile2505Met)

Gene: LYST (lysosomal trafficking regulator; minus strand). Cytogenetic location: 1q42.3.
Variant type: single nucleotide variant.
Coding change: c.7515A>G on transcript NM_000081.4 (MANE Select); coding-DNA position 7515, A replaced by G.
Protein change: p.Ile2505Met; replaces isoleucine 2505 with methionine.
Molecular consequence: missense variant.
Genome position (GRCh38, 1-based): chr1:235,752,117, T>C on the plus strand (A>G on the coding strand, the complement: LYST is on the minus strand). VCF-style: chr1-235752117-T-C. GRCh37 (hg19) VCF-style: chr1-235915417-T-C.
Other names: c.7515A>G, p.Ile2505Met (NM_001301365.1); short protein forms I2505M.
Identifiers: ClinVar variation 1352469 (VCV001352469.5), dbSNP rs2527722322, ClinGen allele CA344930706.